The following is an entry in ClinVar:

ClinVar aggregate classification (germline): Conflicting classifications of pathogenicity. Review status: criteria provided, conflicting classifications (1 of 4 stars). 10 submissions from 10 submitters: Uncertain significance (6); Likely benign (2). 2 of the submissions do not count toward it. Last evaluated 2025-02-16.

Conditions:
Arthrogryposis multiplex congenita 6. Identifiers: MedGen C5543431, MONDO:0030281, OMIM 619334.
Nemaline myopathy 2 (NEM2). Also called: Nemaline myopathy 2, autosomal recessive. Identifiers: MedGen C1850569, MONDO:0009725, OMIM 256030.
Congenital structural myopathy. Identifiers: MedGen C0752282, MONDO:0002921.

Submissions (10):

Laboratory of Genetics, Children's Clinical University Hospital Latvia
Classification: Likely benign. Last evaluated: 2025-02-16. Review status: criteria provided, single submitter. Criteria: ACMG Guidelines, 2015. Collection method: clinical testing. Allele origin: germline. Affected: yes.

Women's Health and Genetics/Laboratory Corporation of America, LabCorp
Classification: Uncertain significance. Last evaluated: 2024-10-15. Review status: criteria provided, single submitter. Criteria: LabCorp Variant Classification Summary - May 2015. Collection method: clinical testing. Allele origin: germline.
Comment: Variant summary: NEB c.169_183dup15 (p.Leu57_Ala61dup) results in an in-frame duplication that is predicted to duplicate 5 amino acids into the encoded protein. The variant allele was found at a frequency of 0.00014 in 248352 control chromosomes. This frequency is not significantly higher than estimated for a pathogenic variant in NEB causing Nemaline Myopathy 2 (0.00014 vs 0.0035), allowing no conclusion about variant significance. c.169_183dup15 has been reported in the literature in compound heterozygous individuals affected with Nemaline Myopathy 2 or Multiple Congenital Contractures (Wang_2020, Turgut_2024)). These data do not allow any conclusion about variant significance. To our knowledge, no experimental evidence demonstrating an impact on protein function has been reported. The following publications have been ascertained in the context of this evaluation (PMID: 38278647, 32222963). ClinVar contains an entry for this variant (Variation ID: 421412). Based on the evidence outlined above, the variant was classified as uncertain significance.

Revvity Omics, Revvity
Classification: Uncertain significance. Last evaluated: 2024-04-19. Review status: criteria provided, single submitter. Criteria: ACMG Guidelines, 2015. Collection method: clinical testing. Allele origin: germline.

CeGaT Center for Human Genetics Tuebingen
Classification: Uncertain significance. Last evaluated: 2023-04-01. Review status: criteria provided, single submitter. Criteria: CeGaT Center For Human Genetics Tuebingen Variant Classification Criteria Version 2. Collection method: clinical testing. Allele origin: germline. Affected: yes. Observed: 5 variant alleles.
Comment: NEB: PM4, BP4

Labcorp Genetics (formerly Invitae), Labcorp
Classification: Uncertain significance for Nemaline myopathy 2. Last evaluated: 2022-08-15. Review status: criteria provided, single submitter. Criteria: Invitae Variant Classification Sherloc (09022015). Collection method: clinical testing. Allele origin: germline.
Comment: This variant, c.169_183dup, results in the insertion of 5 amino acid(s) of the NEB protein (p.Leu57_Ala61dup), but otherwise preserves the integrity of the reading frame. This variant is present in population databases (rs770886969, gnomAD 0.1%). This variant has not been reported in the literature in individuals affected with NEB-related conditions. ClinVar contains an entry for this variant (Variation ID: 421412). Experimental studies and prediction algorithms are not available or were not evaluated, and the functional significance of this variant is currently unknown. In summary, the available evidence is currently insufficient to determine the role of this variant in disease. Therefore, it has been classified as a Variant of Uncertain Significance.

Department of Pathology and Laboratory Medicine, Sinai Health System
Classification: Uncertain significance for congenital structural myopathy. Last evaluated: 2019-11-22. Review status: criteria provided, single submitter. Criteria: ACMG Guidelines, 2015. Collection method: research. Allele origin: germline.

GeneDx
Classification: Likely benign. Last evaluated: 2019-10-22. Review status: criteria provided, single submitter. Criteria: GeneDx Variant Classification Process June 2021. Collection method: clinical testing. Allele origin: germline. Affected: yes.
Comment: This variant is associated with the following publications: (PMID: 32222963)

Juno Genomics, Hangzhou Juno Genomics, Inc
Classification: Uncertain significance for Nemaline myopathy 2; Arthrogryposis multiplex congenita 6. Review status: criteria provided, single submitter. Criteria: ACMG Guidelines, 2015. Collection method: clinical testing. Allele origin: germline.
Comment: Protein length changes due to in-frame deletions/insertions in a non-repeat region or stop-loss variants.

Istanbul Faculty of Medicine, Istanbul University
Classification: Uncertain significance for Arthrogryposis multiplex congenita 6. Last evaluated: 2022-01-10. Review status: no assertion criteria provided. Collection method: clinical testing. Allele origin: germline. Affected: yes. Observed: 1 variant allele. Not counted in ClinVar's aggregate classification.

Natera, Inc.
Classification: Uncertain significance for Nemaline myopathy type 2. Last evaluated: 2020-01-17. Review status: no assertion criteria provided. Collection method: clinical testing. Allele origin: germline. Not counted in ClinVar's aggregate classification.

Literature cited by the submitters: PubMed 32222963 (cited by Women's Health and Genetics/Laboratory Corporation of America, LabCorp); PubMed 38278647 (cited by Women's Health and Genetics/Laboratory Corporation of America, LabCorp).

NM_001164508.2(NEB):c.154CTGGCACAGCCAGCA[3] (p.52LAQPA[3])

Gene: NEB (nebulin; minus strand). Cytogenetic location: 2q23.3.
Variant type: Microsatellite.
Coding change: c.154CTGGCACAGCCAGCA[3] on transcript NM_001164508.2 (MANE Select); three copies in a row of the 15-base unit CTGGCACAGCCAGCA starting at c.154; the reference has two copies in a row; one copy, 15 bases duplicated; also written c.169_183dup.
Protein change: p.52LAQPA[3].
Molecular consequence: inframe insertion.
Genome position (GRCh38, 1-based): chr2:151,727,802-151,727,816, TGCTGGCTGTGCCAG duplicated on the plus strand (CTGGCACAGCCAGCA on the coding strand, the reverse complement: NEB is on the minus strand); duplicating any 15 consecutive bases within chr2:151,727,802-151,727,831 gives the same sequence; the position shown is the placement nearest the transcript's 3' end. VCF-style (leftmost placement, unchanged base first): chr2-151727801-A-ATGCTGGCTGTGCCAG. GRCh37 (hg19) VCF-style: chr2-152584315-A-ATGCTGGCTGTGCCAG.
Other names: c.169_183dupCTGGCACAGCCAGCA (NM_001271208.2); c.169_183dup (NM_001271208.2, NM_001164508.2); c.154CTGGCACAGCCAGCA[3], p.52LAQPA[3] (NM_001164507.2, NM_001271208.2, NM_004543.5); c.169_183dup15 (NM_001271208.2); c.183_184insCTGGCACAGCCAGCA (NM_001271208.2).
Identifiers: ClinVar variation 421412 (VCV000421412.66), dbSNP rs377452683, ClinGen allele CA1911979.